The following is an entry in ClinVar:

ClinVar aggregate classification (germline): Uncertain significance. Review status: criteria provided, multiple submitters, no conflicts (2 of 4 stars). 2 submissions from 2 submitters: Uncertain significance (2). Last evaluated 2025-06-12.

Conditions:
Finnish type amyloidosis. Also called: Amyloidosis, familial, Finnish type; Meretoja type amyloidosis; Amyloidosis 5; AMYLOIDOSIS, HEREDITARY SYSTEMIC 4, FINNISH TYPE; AMYLOID CRANIAL NEUROPATHY WITH LATTICE CORNEAL DYSTROPHY; AMYLOIDOSIS DUE TO MUTANT GELSOLIN. Identifiers: Orphanet 85448, MedGen C1622345, MONDO:0007097, OMIM 105120.

Allele frequency attached by ClinVar (database versions not stated): gnomAD 0.00001; TOPMed 0.00002; 1000 Genomes Project 0.00020; 1000 Genomes Project 30x 0.00031.

Submissions (2):

Labcorp Genetics (formerly Invitae), Labcorp
Classification: Uncertain significance. Last evaluated: 2025-06-12. Review status: criteria provided, single submitter. Criteria: Invitae Variant Classification Sherloc (09022015). Collection method: clinical testing. Allele origin: germline.
Comment: This sequence change replaces arginine, which is basic and polar, with tryptophan, which is neutral and slightly polar, at codon 738 of the GSN protein (p.Arg738Trp). This variant is present in population databases (rs528764941, gnomAD 0.0009%). This variant has not been reported in the literature in individuals affected with GSN-related conditions. ClinVar contains an entry for this variant (Variation ID: 1346575). Invitae Evidence Modeling of protein sequence and biophysical properties (such as structural, functional, and spatial information, amino acid conservation, physicochemical variation, residue mobility, and thermodynamic stability) indicates that this missense variant is expected to disrupt GSN protein function with a positive predictive value of 80%. In summary, the available evidence is currently insufficient to determine the role of this variant in disease. Therefore, it has been classified as a Variant of Uncertain Significance.

Fulgent Genetics
Classification: Uncertain significance for Finnish type amyloidosis. Last evaluated: 2024-03-25. Review status: criteria provided, single submitter. Criteria: ACMG Guidelines, 2015. Collection method: clinical testing. Allele origin: germline.

NM_198252.3(GSN):c.2059C>T (p.Arg687Trp)

Gene: GSN (gelsolin; plus strand). Cytogenetic location: 9q33.2.
Variant type: single nucleotide variant.
Coding change: c.2059C>T on transcript NM_198252.3 (MANE Select); coding-DNA position 2059, C replaced by T.
Protein change: p.Arg687Trp; replaces arginine 687 with tryptophan.
Molecular consequence: missense variant.
Genome position (GRCh38, 1-based): chr9:121,332,466, C>T. VCF-style: chr9-121332466-C-T. GRCh37 (hg19) VCF-style: chr9-124094744-C-T.
Other names: c.2059C>T, p.Arg687Trp (NM_001127665.2, NM_001353053.1, NM_001353054.1 and 10 more transcripts); c.2092C>T, p.Arg698Trp (NM_001127666.2, NM_001127667.2, NM_001353063.2 and 13 more transcripts); c.2110C>T, p.Arg704Trp (NM_001258029.2); c.2083C>T, p.Arg695Trp (NM_001258030.2); c.2131C>T, p.Arg711Trp (NM_001353076.2); c.1405C>T, p.Arg469Trp (NM_001353078.2); c.2212C>T, p.Arg738Trp (NM_000177.5); c.2167C>T, p.Arg723Trp (NM_001127663.2); short protein forms R687W, R704W, R711W, R469W, R738W, R695W, R698W, R723W.
Identifiers: ClinVar variation 1346575 (VCV001346575.9), dbSNP rs528764941, ClinGen allele CA5221531.